The following is an entry in ClinVar:

NM_001008216.2(GALE):c.2T>C (p.Met1Thr)

Gene: GALE (UDP-galactose-4-epimerase; minus strand). Cytogenetic location: 1p36.11.
Variant type: single nucleotide variant.
Coding change: c.2T>C on transcript NM_001008216.2 (MANE Select); coding-DNA position 2, T replaced by C.
Protein change: p.Met1Thr; changes the start codon (methionine 1).
Molecular consequence: missense variant, initiator codon variant.
Genome position (GRCh38, 1-based): chr1:23,799,006, A>G on the plus strand (T>C on the coding strand, the complement: GALE is on the minus strand). VCF-style: chr1-23799006-A-G. GRCh37 (hg19) VCF-style: chr1-24125496-A-G.
Other names: c.2T>C, p.Met1Thr (NM_000403.4, NM_001127621.2); short protein forms M1T.
Identifiers: ClinVar variation 3012577 (VCV003012577.5), dbSNP rs1268440347, ClinGen allele CA339016598.

ClinVar aggregate classification (germline): Pathogenic/Likely pathogenic. Review status: criteria provided, multiple submitters, no conflicts (2 of 4 stars). 3 submissions from 3 submitters: Pathogenic (1); Likely pathogenic (2). Last evaluated 2026-02-23.

Conditions:
UDPglucose-4-epimerase deficiency. Also called: GALACTOSEMIA III; GALE DEFICIENCY; UDP-GALACTOSE-4-EPIMERASE DEFICIENCY; Galactose epimerase deficiency; UDPglucose 4-Epimerase Deficiency Disease; Epimerase Deficiency Galactosemia. Identifiers: Orphanet 352, Orphanet 79238, MedGen C0751161, MONDO:0009257, OMIM 230350.
Thrombocytopenia 13, syndromic. Also called: THROMBOCYTOPENIA, AUTOSOMAL RECESSIVE, 13. Identifiers: MedGen C5935599, MONDO:0958333, OMIM 620776.

Allele frequency attached by ClinVar (database versions not stated): TOPMed below 0.00001.

Submissions (3):

Women's Health and Genetics/Laboratory Corporation of America, LabCorp
Classification: Likely pathogenic for UDPglucose-4-epimerase deficiency. Last evaluated: 2026-02-23. Review status: criteria provided, single submitter. Criteria: LabCorp Variant Classification Summary - May 2015. Collection method: clinical testing. Allele origin: germline.
Comment: Variant summary: GALE c.2T>C (p.Met1Thr) alters the initiation codon and is predicted to result either in absence of the protein or truncation of the encoded protein due to translation initiation at a downstream codon. The next downstream start codon is Met65. A variant upstream of this codon (c.151C>T, p.Arg51Trp) has been classified as Pathogenic by our lab, suggesting the canonical initiation codon is essential for protein function. The variant was absent in 251334 control chromosomes. To our knowledge, no occurrence of c.2T>C in individuals affected with GALE-related conditions and no experimental evidence demonstrating its impact on protein function have been reported. ClinVar contains an entry for this variant (Variation ID: 3012577). Based on the evidence outlined above, the variant was classified as likely pathogenic.

Labcorp Genetics (formerly Invitae), Labcorp
Classification: Pathogenic for UDPglucose-4-epimerase deficiency. Last evaluated: 2024-04-10. Review status: criteria provided, single submitter. Criteria: Invitae Variant Classification Sherloc (09022015). Collection method: clinical testing. Allele origin: germline.
Comment: This sequence change affects the initiator methionine of the GALE mRNA. The next in-frame methionine is located at codon 65. This variant is not present in population databases (gnomAD no frequency). This variant has not been reported in the literature in individuals affected with GALE-related conditions. This variant disrupts a region of the GALE protein in which other variant(s) (p.Arg51Trp) have been determined to be pathogenic (PMID: 30247636, 33510604). This suggests that this is a clinically significant region of the protein, and that variants that disrupt it are likely to be disease-causing. For these reasons, this variant has been classified as Pathogenic.

Fulgent Genetics
Classification: Likely pathogenic for UDPglucose-4-epimerase deficiency; Thrombocytopenia 13, syndromic. Last evaluated: 2024-02-05. Review status: criteria provided, single submitter. Criteria: ACMG Guidelines, 2015. Collection method: clinical testing. Allele origin: germline.

Literature cited by the submitters: PubMed 30247636 (cited by Labcorp Genetics (formerly Invitae), Labcorp); PubMed 33510604 (cited by Labcorp Genetics (formerly Invitae), Labcorp).